The following is an entry in ClinVar:

NM_001845.6(COL4A1):c.652-6C>G

Gene: COL4A1 (collagen type IV alpha 1 chain; minus strand). Cytogenetic location: 13q34.
Variant type: single nucleotide variant.
Coding change: c.652-6C>G on transcript NM_001845.6 (MANE Select); 6 bases into the intron before coding-DNA position 652, C replaced by G.
Molecular consequence: intron variant.
Genome position (GRCh38, 1-based): chr13:110,208,896, G>C on the plus strand (C>G on the coding strand, the complement: COL4A1 is on the minus strand). VCF-style: chr13-110208896-G-C. GRCh37 (hg19) VCF-style: chr13-110861243-G-C.
Other names: c.652-6C>G (NM_001303110.2).
Identifiers: ClinVar variation 2036842 (VCV002036842.4), dbSNP rs1879638474, ClinGen allele CA2580087133.

ClinVar aggregate classification (germline): Uncertain significance (1 of 4 stars; one submission).

Submission:

Labcorp Genetics (formerly Invitae), Labcorp
Classification: Uncertain significance. Last evaluated: 2022-10-26. Review status: criteria provided, single submitter. Criteria: Invitae Variant Classification Sherloc (09022015). Collection method: clinical testing. Allele origin: germline.
Comment: In summary, the available evidence is currently insufficient to determine the role of this variant in disease. Therefore, it has been classified as a Variant of Uncertain Significance. Algorithms developed to predict the effect of sequence changes on RNA splicing suggest that this variant may disrupt the consensus splice site. This variant has not been reported in the literature in individuals affected with COL4A1-related conditions. This variant is not present in population databases (gnomAD no frequency). This sequence change falls in intron 11 of the COL4A1 gene. It does not directly change the encoded amino acid sequence of the COL4A1 protein.